The following is an entry in ClinVar:

NM_032638.5(GATA2):c.566G>A (p.Gly189Glu)

Gene: GATA2 (GATA binding protein 2; minus strand). Cytogenetic location: 3q21.3.
Variant type: single nucleotide variant.
Coding change: c.566G>A on transcript NM_032638.5 (MANE Select); coding-DNA position 566, G replaced by A.
Protein change: p.Gly189Glu; replaces glycine 189 with glutamic acid.
Molecular consequence: missense variant.
Genome position (GRCh38, 1-based): chr3:128,486,032, C>T on the plus strand (G>A on the coding strand, the complement: GATA2 is on the minus strand). VCF-style: chr3-128486032-C-T. GRCh37 (hg19) VCF-style: chr3-128204875-C-T.
Other names: c.566G>A, p.Gly189Glu (NM_001145661.2, NM_001145662.1); short protein forms G189E.
Identifiers: ClinVar variation 1402170 (VCV001402170.8), dbSNP rs2107672357, ClinGen allele CA354406500.

ClinVar aggregate classification (germline): Uncertain significance (1 of 4 stars; one submission).

Conditions:
Monocytopenia with susceptibility to infections. Also called: MONOCYTOPENIA AND MYCOBACTERIAL INFECTION SYNDROME; MONOCYTOPENIA WITH SUSCEPTIBILITY TO MYCOBACTERIAL, FUNGAL, AND PAPILLOMAVIRUS INFECTIONS AND MYELODYSPLASIA; COMBINED IMMUNODEFICIENCY WITH SUSCEPTIBILITY TO MYCOBACTERIAL, VIRAL, AND FUNGAL INFECTIONS; Dendritic cell, monocyte, B lymphocyte, and natural killer lymphocyte deficiency; IMMUNODEFICIENCY 21; GATA2 DEFICIENCY. Identifiers: Orphanet 228423, MedGen C3280030, MONDO:0013607, OMIM 614172.
Deafness-lymphedema-leukemia syndrome. Also called: Emberger syndrome; Lymphedema, primary, with myelodysplasia. Identifiers: Orphanet 3226, MedGen C3279664, MONDO:0013540, OMIM 614038.

Submission:

Labcorp Genetics (formerly Invitae), Labcorp
Classification: Uncertain significance for Monocytopenia with susceptibility to infections; Deafness-lymphedema-leukemia syndrome. Last evaluated: 2022-08-19. Review status: criteria provided, single submitter. Criteria: Invitae Variant Classification Sherloc (09022015). Collection method: clinical testing. Allele origin: germline.
Comment: Advanced modeling of protein sequence and biophysical properties (such as structural, functional, and spatial information, amino acid conservation, physicochemical variation, residue mobility, and thermodynamic stability) performed at Invitae indicates that this missense variant is not expected to disrupt GATA2 protein function. This sequence change replaces glycine, which is neutral and non-polar, with glutamic acid, which is acidic and polar, at codon 189 of the GATA2 protein (p.Gly189Glu). This variant is not present in population databases (gnomAD no frequency). This variant has not been reported in the literature in individuals affected with GATA2-related conditions. ClinVar contains an entry for this variant (Variation ID: 1402170). In summary, the available evidence is currently insufficient to determine the role of this variant in disease. Therefore, it has been classified as a Variant of Uncertain Significance.